The following is an entry in ClinVar:

NM_020806.5(GPHN):c.1848G>T (p.Lys616Asn)

Gene: GPHN (gephyrin; plus strand). Cytogenetic location: 14q23.3.
Variant type: single nucleotide variant.
Coding change: c.1848G>T on transcript NM_020806.5 (MANE Select); coding-DNA position 1848, G replaced by T.
Protein change: p.Lys616Asn; replaces lysine 616 with asparagine.
Molecular consequence: missense variant.
Genome position (GRCh38, 1-based): chr14:67,159,426, G>T. VCF-style: chr14-67159426-G-T. GRCh37 (hg19) VCF-style: chr14-67626143-G-T.
Other names: c.1848G>T (NM_020806.4); c.1749G>T, p.Lys583Asn (NM_001024218.2); c.1908G>T, p.Lys636Asn (NM_001377514.1); c.1878G>T, p.Lys626Asn (NM_001377515.1); c.1869G>T, p.Lys623Asn (NM_001377516.1); c.1821G>T, p.Lys607Asn (NM_001377517.1); c.1806G>T, p.Lys602Asn (NM_001377518.1); c.1788G>T, p.Lys596Asn (NM_001377519.1); short protein forms K602N, K636N, K583N, K596N, K607N, K623N, K626N, K616N.
Identifiers: ClinVar variation 3714895 (VCV003714895.3).

ClinVar aggregate classification (germline): Uncertain significance. Review status: criteria provided, multiple submitters, no conflicts (2 of 4 stars). 2 submissions from 2 submitters: Uncertain significance (2). Last evaluated 2024-10-28.

Conditions:
Sulfite oxidase deficiency due to molybdenum cofactor deficiency type C. Also called: Molybdenum cofactor deficiency C; Molybdenum cofactor deficiency, complementation group C. Identifiers: Orphanet 308400, Orphanet 833, MedGen C1854990, MONDO:0014212, OMIM 615501.

Submissions (2):

GeneDx
Classification: Uncertain significance. Last evaluated: 2024-10-28. Review status: criteria provided, single submitter. Criteria: GeneDx Variant Classification Process June 2021. Collection method: clinical testing. Allele origin: germline. Affected: yes.
Comment: Not observed at significant frequency in large population cohorts (gnomAD); In silico analysis supports that this missense variant has a deleterious effect on protein structure/function; Has not been previously published as pathogenic or benign to our knowledge

Labcorp Genetics (formerly Invitae), Labcorp
Classification: Uncertain significance for Sulfite oxidase deficiency due to molybdenum cofactor deficiency type C. Last evaluated: 2024-10-16. Review status: criteria provided, single submitter. Criteria: Invitae Variant Classification Sherloc (09022015). Collection method: clinical testing. Allele origin: germline.
Comment: This sequence change replaces lysine, which is basic and polar, with asparagine, which is neutral and polar, at codon 616 of the GPHN protein (p.Lys616Asn). This variant is not present in population databases (gnomAD no frequency). This variant has not been reported in the literature in individuals affected with GPHN-related conditions. Invitae Evidence Modeling of protein sequence and biophysical properties (such as structural, functional, and spatial information, amino acid conservation, physicochemical variation, residue mobility, and thermodynamic stability) indicates that this missense variant is expected to disrupt GPHN protein function with a positive predictive value of 80%. In summary, the available evidence is currently insufficient to determine the role of this variant in disease. Therefore, it has been classified as a Variant of Uncertain Significance.